The following is an entry in ClinVar:

ClinVar aggregate classification (germline): Conflicting classifications of pathogenicity. Review status: criteria provided, conflicting classifications (1 of 4 stars). 2 submissions from 2 submitters: Uncertain significance (1); Likely benign (1). Last evaluated 2026-04-16.

Conditions:
Inborn genetic diseases. Identifiers: MedGen C0950123, MeSH D030342.

Allele frequency attached by ClinVar (database versions not stated): 1000 Genomes Project 30x 0.00016; 1000 Genomes Project 0.00020; ESP Exome Variant Server 0.00031.
gnomAD v4.1: 406 of 1,613,462 alleles (0.025%); highest among the groups gnomAD compares: Non-Finnish European, 0.03%; 1 homozygote.

Submissions (2):

Ambry Genetics
Classification: Likely benign for Inborn genetic diseases. Last evaluated: 2026-04-16. Review status: criteria provided, single submitter. Criteria: Ambry Variant Classification Scheme 2023. Collection method: clinical testing. Allele origin: germline.

Labcorp Genetics (formerly Invitae), Labcorp
Classification: Uncertain significance. Last evaluated: 2025-09-09. Review status: criteria provided, single submitter. Criteria: Invitae Variant Classification Sherloc (09022015). Collection method: clinical testing. Allele origin: germline.
Comment: This sequence change replaces arginine, which is basic and polar, with proline, which is neutral and non-polar, at codon 42 of the NAXD protein (p.Arg42Pro). This variant is present in population databases (rs149247530, gnomAD 0.03%). This variant has not been reported in the literature in individuals affected with NAXD-related conditions. ClinVar contains an entry for this variant (Variation ID: 1375660). Invitae Evidence Modeling of protein sequence and biophysical properties (such as structural, functional, and spatial information, amino acid conservation, physicochemical variation, residue mobility, and thermodynamic stability) indicates that this missense variant is not expected to disrupt NAXD protein function with a negative predictive value of 80%. In summary, the available evidence is currently insufficient to determine the role of this variant in disease. Therefore, it has been classified as a Variant of Uncertain Significance.

NM_001242882.2(NAXD):c.71G>C (p.Arg24Pro)

Gene: NAXD (NAD(P)HX dehydratase; plus strand). Cytogenetic location: 13q34.
Variant type: single nucleotide variant.
Coding change: c.71G>C on transcript NM_001242882.2 (MANE Select); coding-DNA position 71, G replaced by C.
Protein change: p.Arg24Pro; replaces arginine 24 with proline.
Molecular consequence: missense variant. On other transcripts: non-coding transcript variant (2), intron variant (1).
Genome position (GRCh38, 1-based): chr13:110,622,240, G>C. VCF-style: chr13-110622240-G-C. GRCh37 (hg19) VCF-style: chr13-111274587-G-C.
Other names: c.125G>C, p.Arg42Pro (NM_001242881.2, NM_018210.4); c.57-5199G>C (NM_001242883.2); c.125G>C (NM_018210.3); short protein forms R42P, R24P.
Identifiers: ClinVar variation 1375660 (VCV001375660.8), dbSNP rs149247530, ClinGen allele CA7051037.